The following is an entry in ClinVar:

NM_021008.4(DEAF1):c.746G>A (p.Ser249Asn)

Gene: DEAF1 (DEAF1 transcription factor; minus strand). Cytogenetic location: 11p15.5.
Variant type: single nucleotide variant.
Coding change: c.746G>A on transcript NM_021008.4 (MANE Select); coding-DNA position 746, G replaced by A.
Protein change: p.Ser249Asn; replaces serine 249 with asparagine.
Molecular consequence: missense variant. On other transcripts: intron variant (1).
Genome position (GRCh38, 1-based): chr11:686,916, C>T on the plus strand (G>A on the coding strand, the complement: DEAF1 is on the minus strand). VCF-style: chr11-686916-C-T. GRCh37 (hg19) VCF-style: chr11-686916-C-T.
Other names: c.20G>A, p.Ser7Asn (NM_001367390.1, NM_001440885.1, NM_001440886.1 and 1 more transcripts); c.746G>A, p.Ser249Asn (NM_001440883.1, NM_001440884.1); c.664+995G>A (NM_001293634.2); short protein forms S249N, S7N.
Identifiers: ClinVar variation 3372122 (VCV003372122.1).

ClinVar aggregate classification (germline): Uncertain significance (1 of 4 stars; one submission).

Submission:

GeneDx
Classification: Uncertain significance. Last evaluated: 2024-04-12. Review status: criteria provided, single submitter. Criteria: GeneDx Variant Classification Process June 2021. Collection method: clinical testing. Allele origin: germline. Affected: yes.
Comment: In silico analysis supports that this missense variant has a deleterious effect on protein structure/function; Not observed at significant frequency in large population cohorts (gnomAD); Has not been previously published as pathogenic or benign to our knowledge